The following is an entry in ClinVar:

ClinVar aggregate classification (germline): Uncertain significance (1 of 4 stars; one submission).

Allele frequency attached by ClinVar (database versions not stated): TOPMed 0.00003 and 0.00005; ESP Exome Variant Server 0.00008; gnomAD 0.00004 and 0.00003.
gnomAD v4.1: 60 of 1,613,316 alleles (0.0037%); highest among the groups gnomAD compares: Non-Finnish European, 0.0041%; no homozygotes.

Submission:

GeneDx
Classification: Uncertain significance. Last evaluated: 2017-09-13. Review status: criteria provided, single submitter. Criteria: GeneDx Variant Classification (06012015). Collection method: clinical testing. Allele origin: germline. Affected: yes.
Comment: The R98Q variant has not been published as a pathogenic variant, nor has it been reported as a benign variant to our knowledge. The R98Q variant is observed in 6/66334 alleles from individuals of European background, in large population cohorts (Lek et al., 2016; 1000 Genomes Consortium et al., 2015; Exome Variant Server). The R98Q variant is a semi-conservative amino acid substitution, which may impact secondary protein structure as these residues differ in some properties. This substitution occurs at a position that is conserved across species, and in silico analysis predicts this variant is probably damaging to the protein structure/function. Another missense substitution at the same residue (R98G) has been reported previously in association with lipoyltransferase 1 deficiency supporting the functional importance of this region of the protein (Tort et al., 2014). In summary, based on the currently available information, it is unclear whether this variant is a pathogenic variant or a rare benign variant.

NM_145199.3(LIPT1):c.293G>A (p.Arg98Gln)

Genes: LIPT1 (lipoyltransferase 1; plus strand), MITD1 (microtubule interacting and trafficking domain containing 1; minus strand). Cytogenetic location: 2q11.2.
Variant type: single nucleotide variant.
Coding change: c.293G>A on transcript NM_145199.3 (MANE Select); coding-DNA position 293, G replaced by A.
Protein change: p.Arg98Gln; replaces arginine 98 with glutamine.
Molecular consequence: missense variant. On other transcripts: non-coding transcript variant (2).
Genome position (GRCh38, 1-based): chr2:99,162,250, G>A. VCF-style: chr2-99162250-G-A. GRCh37 (hg19) VCF-style: chr2-99778713-G-A.
Other names: c.293G>A, p.Arg98Gln (NM_001204830.2, NM_015929.4, NM_145197.3 and 1 more transcripts); short protein forms R98Q.
Identifiers: ClinVar variation 451991 (VCV000451991.2), dbSNP rs374470630, ClinGen allele CA1797295.